The following is an entry in ClinVar:

NM_022454.4(SOX17):c.981C>G (p.Pro327=)

Gene: SOX17 (SRY-box transcription factor 17; plus strand). Cytogenetic location: 8q11.23.
Variant type: single nucleotide variant.
Coding change: c.981C>G on transcript NM_022454.4 (MANE Select); coding-DNA position 981, C replaced by G.
Protein change: p.Pro327=; no amino-acid change (proline 327 retained).
Molecular consequence: synonymous variant.
Genome position (GRCh38, 1-based): chr8:54,459,731, C>G. VCF-style: chr8-54459731-C-G. GRCh37 (hg19) VCF-style: chr8-55372291-C-G.
Identifiers: ClinVar variation 3031555 (VCV003031555.2), dbSNP rs189780389, ClinGen allele CA4751000.

ClinVar aggregate classification (germline): Likely benign (0 of 4 stars; one submission).

Conditions:
SOX17-related disorder. Also called: SOX17-related condition.

Allele frequency attached by ClinVar (database versions not stated): TOPMed below 0.00001; ExAC 0.00006; 1000 Genomes Project 30x 0.00016.

Submission:

PreventionGenetics, part of Exact Sciences
Classification: Likely benign for SOX17-related condition. Last evaluated: 2020-11-24. Review status: no assertion criteria provided. Collection method: clinical testing. Allele origin: germline.
Comment: This variant is classified as likely benign based on ACMG/AMP sequence variant interpretation guidelines (Richards et al. 2015 PMID: 25741868, with internal and published modifications).